The following is an entry in ClinVar:

ClinVar aggregate classification (germline): Uncertain significance (1 of 4 stars; one submission).

Submission:

GeneDx
Classification: Uncertain significance. Last evaluated: 2019-03-08. Review status: criteria provided, single submitter. Criteria: GeneDx Variant Classification Process June 2021. Collection method: clinical testing. Allele origin: germline. Affected: yes.
Comment: Not observed in large population cohorts (Lek et al., 2016; McVean et al., 2012; Exome Variant Server); In silico analysis, which includes protein predictors and evolutionary conservation, supports that this variant does not alter protein structure/function; Has not been previously published as pathogenic or benign to our knowledge

NM_001365999.1(SZT2):c.2158C>T (p.Pro720Ser)

Gene: SZT2 (SZT2 subunit of KICSTOR complex; plus strand). Cytogenetic location: 1p34.2.
Variant type: single nucleotide variant.
Coding change: c.2158C>T on transcript NM_001365999.1 (MANE Select); coding-DNA position 2158, C replaced by T.
Protein change: p.Pro720Ser; replaces proline 720 with serine.
Molecular consequence: missense variant.
Genome position (GRCh38, 1-based): chr1:43,423,219, C>T. VCF-style: chr1-43423219-C-T. GRCh37 (hg19) VCF-style: chr1-43888890-C-T.
Other names: c.2158C>T, p.Pro720Ser (NM_015284.4); short protein forms P720S.
Identifiers: ClinVar variation 1307518 (VCV001307518.2), dbSNP rs2153932659, ClinGen allele CA340011245.
Genomic context (GRCh38, chr1:43,423,219, plus strand): 5'-AAGGAGCCAACGCCCAAGGTGAAACGAAAAGGGCTAGGGGGTGCTGGTGGGGGCAGCTCT[C>T]CCTCCAAGTCACCCCCCGTGCTGGGGCCACAGCAGGCCCTGTCTGACCGGCCCTGCCTTG-3'
Protein context (NP_001352928.1, residues 710-730): GLGGAGGGSS[Pro720Ser]SKSPPVLGPQ